The following is an entry in ClinVar:

ClinVar aggregate classification (germline): Pathogenic (1 of 4 stars; one submission).

Submission:

Labcorp Genetics (formerly Invitae), Labcorp
Classification: Pathogenic. Last evaluated: 2024-11-05. Review status: criteria provided, single submitter. Criteria: Invitae Variant Classification Sherloc (09022015). Collection method: clinical testing. Allele origin: germline.
Comment: This sequence change creates a premature translational stop signal (p.Gln116*) in the TAB2 gene. It is expected to result in an absent or disrupted protein product. Loss-of-function variants in TAB2 are known to be pathogenic (PMID: 28386937, 31250519). This variant is not present in population databases (gnomAD no frequency). This variant has not been reported in the literature in individuals affected with TAB2-related conditions. For these reasons, this variant has been classified as Pathogenic.

Literature cited by the submitters: PubMed 28386937; PubMed 31250519.

NM_001292034.3(TAB2):c.346C>T (p.Gln116Ter)

Gene: TAB2 (TGF-beta activated kinase 1 (MAP3K7) binding protein 2; plus strand). Cytogenetic location: 6q25.1.
Variant type: single nucleotide variant.
Coding change: c.346C>T on transcript NM_001292034.3 (MANE Select); coding-DNA position 346, C replaced by T.
Protein change: p.Gln116Ter; replaces glutamine 116 with a stop codon.
Molecular consequence: nonsense.
Genome position (GRCh38, 1-based): chr6:149,378,261, C>T. VCF-style: chr6-149378261-C-T. GRCh37 (hg19) VCF-style: chr6-149699397-C-T.
Other names: c.250C>T, p.Gln84Ter (NM_001292035.3); c.346C>T, p.Gln116Ter (NM_001369506.1, NM_015093.6); short protein forms Q84*, Q116*.
Identifiers: ClinVar variation 3724679 (VCV003724679.2).